The following is an entry in ClinVar:

NM_001370259.2(MEN1):c.723_724del (p.Ala242fs)

Gene: MEN1 (menin 1; minus strand). Cytogenetic location: 11q13.1.
Variant type: Microsatellite.
Coding change: c.723_724del on transcript NM_001370259.2 (MANE Select); coding-DNA positions 723 to 724, 2 bases deleted (TG; older notation c.723_724delTG).
Protein change: p.Ala242fs; shifts the reading frame from alanine 242.
Molecular consequence: frameshift variant.
Genome position (GRCh38, 1-based): chr11:64,807,611-64,807,612, CA deleted on the plus strand (TG on the coding strand, the reverse complement: MEN1 is on the minus strand); deleting any 2 consecutive bases within chr11:64,807,611-64,807,617 gives the same sequence; the c. name uses the placement nearest the transcript's 3' end. VCF-style (leftmost placement, unchanged base first): chr11-64807610-GCA-G. GRCh37 (hg19) VCF-style: chr11-64575082-GCA-G.
Other names: c.723_724delTG (NM_130799.2); c.738_739del, p.Ala247fs (NM_000244.4, NM_130800.3, NM_130801.3 and 3 more transcripts); c.723_724del, p.Ala242fs (NM_001370251.2, NM_001370260.2, NM_001370261.2 and 1 more transcripts); c.618_619del, p.Ala207fs (NM_001370262.2, NM_001370263.2); short protein forms A207fs, A242fs, A247fs.
Identifiers: ClinVar variation 826922 (VCV000826922.14), dbSNP rs1592649069, ClinGen allele CA915948184.
Genomic context (GRCh38, chr11:64,807,610, plus strand): 5'-ACCTGCTGCAGCTGCAGAAGCTCCAGCGAGTCGGTGTGCAGGTCAATGGAAGGGTTGATG[GCA>G]CACACCATGAACGCCACCTCCATCTTGCGGTCACAGCGCATGTATGATCCTTTCAGGTAC-3'

ClinVar aggregate classification (germline): Pathogenic. Review status: criteria provided, multiple submitters, no conflicts (2 of 4 stars). 3 submissions from 3 submitters: Pathogenic (3). Last evaluated 2025-11-25.

Conditions:
Hereditary cancer-predisposing syndrome. Also called: Neoplastic Syndromes, Hereditary; Hereditary Cancer Syndrome; Hereditary neoplastic syndrome; Tumor predisposition. Identifiers: Orphanet 140162, MedGen C0027672, MeSH D009386, MONDO:0015356.
Multiple endocrine neoplasia, type 1 (MEN1). Also called: MEN I; WERMER SYNDROME; Endocrine adenomatosis multiple; MEN 1; MEA I. Identifiers: Orphanet 652, MedGen C0025267, MeSH D018761, MONDO:0007540, OMIM 131100.

Submissions (3):

Labcorp Genetics (formerly Invitae), Labcorp
Classification: Pathogenic for Multiple endocrine neoplasia, type 1. Last evaluated: 2025-11-25. Review status: criteria provided, single submitter. Criteria: Invitae Variant Classification Sherloc (09022015). Collection method: clinical testing. Allele origin: germline.
Comment: This sequence change creates a premature translational stop signal (p.Ala242Hisfs*6) in the MEN1 gene. It is expected to result in an absent or disrupted protein product. Loss-of-function variants in MEN1 are known to be pathogenic (PMID: 12112656, 17853334). This variant is not present in population databases (gnomAD no frequency). This premature translational stop signal has been observed in individual(s) with clinical indication for MEN1 genetic testing (PMID: 15714081). This variant is also known as TGT to T deletion at codon 241. For these reasons, this variant has been classified as Pathogenic.

Myriad Genetics, Inc.
Classification: Pathogenic for Multiple endocrine neoplasia, type 1. Last evaluated: 2024-04-23. Review status: criteria provided, single submitter. Criteria: Myriad Autosomal Dominant, Autosomal Recessive and X-Linked Classification Criteria (2023). Collection method: clinical testing. Allele origin: unknown.
Comment: This variant is considered pathogenic. This variant creates a frameshift predicted to result in premature protein truncation.

Ambry Genetics
Classification: Pathogenic for Hereditary cancer-predisposing syndrome. Last evaluated: 2019-12-02. Review status: criteria provided, single submitter. Criteria: Ambry Variant Classification Scheme 2023. Collection method: clinical testing. Allele origin: germline.
Comment: The c.723_724delTG pathogenic mutation, located in coding exon 3 of the MEN1 gene, results from a deletion of two nucleotides at nucleotide positions 723 to 724, causing a translational frameshift with a predicted alternate stop codon (p.A242Hfs*6). This alteration is also described in the literature as TGT>T at codon 241 (Klein RD et al. Genet. Med., 2005 Feb;7:131-8). In addition to the clinical data presented in the literature, this alteration is expected to result in loss of function by premature protein truncation or nonsense-mediated mRNA decay. As such, this alteration is interpreted as a disease-causing mutation

Literature cited by the submitters: PubMed 12112656 (cited by Labcorp Genetics (formerly Invitae), Labcorp); PubMed 17853334 (cited by Labcorp Genetics (formerly Invitae), Labcorp); PubMed 15714081 (cited by Labcorp Genetics (formerly Invitae), Labcorp and Ambry Genetics).